The following is an entry in ClinVar:

NM_000264.5(PTCH1):c.3707A>G (p.Glu1236Gly)

Gene: PTCH1 (patched 1; minus strand). Cytogenetic location: 9q22.32.
Variant type: single nucleotide variant.
Coding change: c.3707A>G on transcript NM_000264.5 (MANE Select); coding-DNA position 3707, A replaced by G.
Protein change: p.Glu1236Gly; replaces glutamic acid 1236 with glycine.
Molecular consequence: missense variant. On other transcripts: non-coding transcript variant (1).
Genome position (GRCh38, 1-based): chr9:95,449,166, T>C on the plus strand (A>G on the coding strand, the complement: PTCH1 is on the minus strand). VCF-style: chr9-95449166-T-C. GRCh37 (hg19) VCF-style: chr9-98211448-T-C.
Other names: c.3509A>G, p.Glu1170Gly (NM_001083602.3); c.3704A>G, p.Glu1235Gly (NM_001083603.3); c.3254A>G, p.Glu1085Gly (NM_001083604.3, NM_001083605.3, NM_001083606.3 and 1 more transcripts); c.3551A>G, p.Glu1184Gly (NM_001354918.2); short protein forms E1170G, E1236G, E1235G, E1085G, E1184G.
Identifiers: ClinVar variation 5027458 (VCV005027458.1).

ClinVar aggregate classification (germline): Uncertain significance (1 of 4 stars; one submission).

Conditions:
Hereditary cancer-predisposing syndrome. Also called: Neoplastic Syndromes, Hereditary; Tumor predisposition; Hereditary neoplastic syndrome; Hereditary Cancer Syndrome. Identifiers: Orphanet 140162, MedGen C0027672, MeSH D009386, MONDO:0015356.

Submission:

Ambry Genetics
Classification: Uncertain significance for Hereditary cancer-predisposing syndrome. Last evaluated: 2026-07-11. Review status: criteria provided, single submitter. Criteria: Ambry Variant Classification Scheme 2023. Collection method: clinical testing. Allele origin: germline.
Comment: The p.E1236G variant (also known as c.3707A>G), located in coding exon 22 of the PTCH1 gene, results from an A to G substitution at nucleotide position 3707. The glutamic acid at codon 1236 is replaced by glycine, an amino acid with similar properties. This amino acid position is conserved. In addition, the in silico prediction for this alteration is inconclusive. Based on the available evidence, the clinical significance of this variant remains unclear.